The following is an entry in ClinVar:

NM_001164508.2(NEB):c.24829C>G (p.Pro8277Ala)

Genes: NEB (nebulin; minus strand), RIF1 (replication timing regulatory factor 1; plus strand). Cytogenetic location: 2q23.3.
Variant type: single nucleotide variant.
Coding change: c.24829C>G on transcript NM_001164508.2 (MANE Select); coding-DNA position 24829, C replaced by G.
Protein change: p.Pro8277Ala; replaces proline 8277 with alanine.
Molecular consequence: missense variant.
Genome position (GRCh38, 1-based): chr2:151,492,431, G>C on the plus strand (C>G on the coding strand, the complement: NEB is on the minus strand). VCF-style: chr2-151492431-G-C. GRCh37 (hg19) VCF-style: chr2-152348945-G-C.
Other names: c.24829C>G, p.Pro8277Ala (NM_001164507.2); c.24934C>G, p.Pro8312Ala (NM_001271208.2); c.19261C>G, p.Pro6421Ala (NM_004543.5); short protein forms P6421A, P8312A, P8277A.
Identifiers: ClinVar variation 1985132 (VCV001985132.4), dbSNP rs2551710242, ClinGen allele CA348774210.
Genomic context (GRCh38, chr2:151,492,431, plus strand): 5'-AGAATTCCTGACTCACCGTTGAGATGTGCCGTTGGGTCTCCCTCACCCGTCTCATCTCGG[G>C]GGTATCCAATACATAGGCAGCTTTGCCTTGTATTTGTTTCCGGAAACTATCAGAATAAAG-3'
Protein context (NP_001157980.2, residues 8267-8287): QGKAAYVLDT[Pro8277Ala]EMRRVRETQR

ClinVar aggregate classification (germline): Uncertain significance (1 of 4 stars; one submission).

Conditions:
Nemaline myopathy 2 (NEM2). Also called: Nemaline myopathy 2, autosomal recessive. Identifiers: MedGen C1850569, MONDO:0009725, OMIM 256030.

Submission:

Labcorp Genetics (formerly Invitae), Labcorp
Classification: Uncertain significance for Nemaline myopathy 2. Last evaluated: 2023-12-22. Review status: criteria provided, single submitter. Criteria: Invitae Variant Classification Sherloc (09022015). Collection method: clinical testing. Allele origin: germline.
Comment: This sequence change replaces proline, which is neutral and non-polar, with alanine, which is neutral and non-polar, at codon 8312 of the NEB protein (p.Pro8312Ala). This variant is not present in population databases (gnomAD no frequency). This variant has not been reported in the literature in individuals affected with NEB-related conditions. ClinVar contains an entry for this variant (Variation ID: 1985132). Experimental studies and prediction algorithms are not available or were not evaluated, and the functional significance of this variant is currently unknown. In summary, the available evidence is currently insufficient to determine the role of this variant in disease. Therefore, it has been classified as a Variant of Uncertain Significance.